The following is an entry in ClinVar:

ClinVar aggregate classification (germline): Benign/Likely benign. Review status: criteria provided, multiple submitters, no conflicts (2 of 4 stars). 7 submissions from 7 submitters: Benign (1); Likely benign (5). 1 of the submissions does not count toward it. Last evaluated 2025-06-10.

Conditions:
Familial adenomatous polyposis 1 (FAP1). Also called: POLYPOSIS, ADENOMATOUS INTESTINAL; FAMILIAL ADENOMATOUS POLYPOSIS 1, ATTENUATED. Identifiers: MedGen C2713442, MONDO:0021056, OMIM 175100. Disease mechanism: loss of function.
APC-related disorder. Also called: APC-related condition.
Hereditary cancer-predisposing syndrome. Also called: Neoplastic Syndromes, Hereditary; Tumor predisposition; Hereditary neoplastic syndrome; Hereditary Cancer Syndrome. Identifiers: Orphanet 140162, MedGen C0027672, MeSH D009386, MONDO:0015356.

Allele frequency attached by ClinVar (database versions not stated): gnomAD 0.00001; gnomAD exomes 0.00001; TOPMed 0.00001.
gnomAD v4.1: 12 of 1,614,002 alleles (0.00074%); highest among the groups gnomAD compares: Admixed American, 0.0017%; no homozygotes.

Submissions (7):

Labcorp Genetics (formerly Invitae), Labcorp
Classification: Likely benign for Familial adenomatous polyposis 1. Last evaluated: 2025-06-10. Review status: criteria provided, single submitter. Criteria: Invitae Variant Classification Sherloc (09022015). Collection method: clinical testing. Allele origin: germline.

Myriad Genetics, Inc.
Classification: Benign for Familial adenomatous polyposis 1. Last evaluated: 2024-03-15. Review status: criteria provided, single submitter. Criteria: Myriad Autosomal Dominant, Autosomal Recessive and X-Linked Classification Criteria (2023). Collection method: clinical testing. Allele origin: unknown.
Comment: This variant is considered benign. This variant is a silent/synonymous amino acid change and it is not expected to impact splicing.

CeGaT Center for Human Genetics Tuebingen
Classification: Likely benign. Last evaluated: 2023-05-01. Review status: criteria provided, single submitter. Criteria: CeGaT Center For Human Genetics Tuebingen Variant Classification Criteria Version 2. Collection method: clinical testing. Allele origin: germline. Affected: yes. Observed: 1 variant allele.
Comment: APC: BP4

Color Diagnostics, LLC DBA Color Health
Classification: Likely benign for Hereditary cancer-predisposing syndrome. Last evaluated: 2019-04-03. Review status: criteria provided, single submitter. Criteria: ACMG Guidelines, 2015. Collection method: clinical testing. Allele origin: germline.

GeneDx
Classification: Likely benign. Last evaluated: 2018-06-19. Review status: criteria provided, single submitter. Criteria: GeneDx Variant Classification (06012015). Collection method: clinical testing. Allele origin: germline. Affected: yes.
Comment: This variant is considered likely benign or benign based on one or more of the following criteria: it is a conservative change, it occurs at a poorly conserved position in the protein, it is predicted to be benign by multiple in silico algorithms, and/or has population frequency not consistent with disease.

Ambry Genetics
Classification: Likely benign for Hereditary cancer-predisposing syndrome. Last evaluated: 2015-11-26. Review status: criteria provided, single submitter. Criteria: Ambry Variant Classification Scheme 2023. Collection method: clinical testing. Allele origin: germline.

PreventionGenetics, part of Exact Sciences
Classification: Likely benign for APC-related condition. Last evaluated: 2021-04-22. Review status: no assertion criteria provided. Collection method: clinical testing. Allele origin: germline. Not counted in ClinVar's aggregate classification.
Comment: This variant is classified as likely benign based on ACMG/AMP sequence variant interpretation guidelines (Richards et al. 2015 PMID: 25741868, with internal and published modifications).

NM_000038.6(APC):c.2985C>T (p.Cys995=)

Gene: APC (APC regulator of Wnt signaling pathway; plus strand). Cytogenetic location: 5q22.2.
Variant type: single nucleotide variant.
Coding change: c.2985C>T on transcript NM_000038.6 (MANE Select); coding-DNA position 2985, C replaced by T.
Protein change: p.Cys995=; no amino-acid change (cysteine 995 retained).
Molecular consequence: synonymous variant.
Genome position (GRCh38, 1-based): chr5:112,838,579, C>T. VCF-style: chr5-112838579-C-T. GRCh37 (hg19) VCF-style: chr5-112174276-C-T.
Other names: c.2985C>T, p.Cys995= (NM_001127510.3, NM_001354895.2); c.2931C>T, p.Cys977= (NM_001127511.3); c.3039C>T, p.Cys1013= (NM_001354896.2); c.3015C>T, p.Cys1005= (NM_001354897.2); c.2910C>T, p.Cys970= (NM_001354898.2); c.2901C>T, p.Cys967= (NM_001354899.2); c.2862C>T, p.Cys954= (NM_001354900.2); c.2808C>T, p.Cys936= (NM_001354901.2); and 5 more.
Identifiers: ClinVar variation 673913 (VCV000673913.43), dbSNP rs1339472818, ClinGen allele CA445963113.